The following is an entry in ClinVar:

ClinVar aggregate classification (germline): Likely benign (0 of 4 stars; one submission).

Conditions:
NRP1-related disorder. Also called: NRP1-related condition.

Allele frequency attached by ClinVar (database versions not stated): gnomAD exomes 0.00022; ESP Exome Variant Server 0.00023; TOPMed 0.00024; gnomAD 0.00027; ExAC 0.00035.
gnomAD v4.1: 352 of 1,586,786 alleles (0.022%); highest among the groups gnomAD compares: South Asian, 0.11%; 1 homozygote.

Submission:

PreventionGenetics, part of Exact Sciences
Classification: Likely benign for NRP1-related condition. Last evaluated: 2022-06-29. Review status: no assertion criteria provided. Collection method: clinical testing. Allele origin: germline.
Comment: This variant is classified as likely benign based on ACMG/AMP sequence variant interpretation guidelines (Richards et al. 2015 PMID: 25741868, with internal and published modifications).

NM_003873.7(NRP1):c.1295C>T (p.Ser432Phe)

Gene: NRP1 (neuropilin 1; minus strand). Cytogenetic location: 10p11.22.
Variant type: single nucleotide variant.
Coding change: c.1295C>T on transcript NM_003873.7 (MANE Select); coding-DNA position 1295, C replaced by T.
Protein change: p.Ser432Phe; replaces serine 432 with phenylalanine.
Molecular consequence: missense variant. On other transcripts: non-coding transcript variant (1).
Genome position (GRCh38, 1-based): chr10:33,213,705, G>A on the plus strand (C>T on the coding strand, the complement: NRP1 is on the minus strand). VCF-style: chr10-33213705-G-A. GRCh37 (hg19) VCF-style: chr10-33502633-G-A.
Other names: c.1295C>T, p.Ser432Phe (NM_001024628.3, NM_001024629.3, NM_001244972.2 and 2 more transcripts); short protein forms S432F.
Identifiers: ClinVar variation 3038551 (VCV003038551.2), dbSNP rs145954532, ClinGen allele CA5466672.